The following is an entry in ClinVar:

ClinVar aggregate classification (germline): Conflicting classifications of pathogenicity. Review status: criteria provided, conflicting classifications (1 of 4 stars). 2 submissions from 2 submitters: Uncertain significance (1); Benign (1). Last evaluated 2024-12-02.

Conditions:
Familial thoracic aortic aneurysm and aortic dissection (TAAD). Also called: Thoracic aortic aneurysms and dissections. Identifiers: Orphanet 91387, MedGen C4707243, MONDO:0019625.
Congenital contractural arachnodactyly (CCA). Also called: Beals-Hecht syndrome; BEALS SYNDROME; Arthrogryposis, distal, type 9. Identifiers: Orphanet 115, MedGen C0220668, MONDO:0007363, OMIM 121050.

Allele frequency attached by ClinVar (database versions not stated): gnomAD exomes below 0.00001 and 0.00001; TOPMed below 0.00001; ExAC 0.00001; gnomAD 0.00001; ESP Exome Variant Server 0.00008.
gnomAD v4.1: 24 of 1,614,026 alleles (0.0015%); highest among the groups gnomAD compares: Middle Eastern, 0.016%; no homozygotes.

Submissions (2):

Ambry Genetics
Classification: Uncertain significance for Familial thoracic aortic aneurysm and aortic dissection. Last evaluated: 2024-12-02. Review status: criteria provided, single submitter. Criteria: Ambry Variant Classification Scheme 2023. Collection method: clinical testing. Allele origin: germline.
Comment: The p.G473E variant (also known as c.1418G>A), located in coding exon 10 of the FBN2 gene, results from a G to A substitution at nucleotide position 1418. The glycine at codon 473 is replaced by glutamic acid, an amino acid with similar properties. This amino acid position is highly conserved in available vertebrate species. In addition, this alteration is predicted to be deleterious by in silico analysis. Based on the available evidence, the clinical significance of this variant remains unclear.

Labcorp Genetics (formerly Invitae), Labcorp
Classification: Benign for Congenital contractural arachnodactyly. Last evaluated: 2024-05-15. Review status: criteria provided, single submitter. Criteria: Invitae Variant Classification Sherloc (09022015). Collection method: clinical testing. Allele origin: germline.

NM_001999.4(FBN2):c.1418G>A (p.Gly473Glu)

Gene: FBN2 (fibrillin 2; minus strand). Cytogenetic location: 5q23.3.
Variant type: single nucleotide variant.
Coding change: c.1418G>A on transcript NM_001999.4 (MANE Select); coding-DNA position 1418, G replaced by A.
Protein change: p.Gly473Glu; replaces glycine 473 with glutamic acid.
Molecular consequence: missense variant.
Genome position (GRCh38, 1-based): chr5:128,393,182, C>T on the plus strand (G>A on the coding strand, the complement: FBN2 is on the minus strand). VCF-style: chr5-128393182-C-T. GRCh37 (hg19) VCF-style: chr5-127728875-C-T.
Other names: short protein forms G473E.
Identifiers: ClinVar variation 458735 (VCV000458735.8), dbSNP rs376096770, ClinGen allele CA3395806.